The following is an entry in ClinVar:

ClinVar aggregate classification (germline): Pathogenic/Likely pathogenic. Review status: criteria provided, multiple submitters, no conflicts (2 of 4 stars). 3 submissions from 3 submitters: Pathogenic (1); Likely pathogenic (2). Last evaluated 2026-09-24.

Conditions:
Sulfite oxidase deficiency. Also called: Isolated sulfite oxidase deficiency. Identifiers: Orphanet 833, Orphanet 99731, MedGen C0268624, MONDO:0010089, OMIM 272300, HP:0003643.
SUOX-related disorder. Also called: SUOX-related condition.

Submissions (3):

PreventionGenetics, part of Exact Sciences
Classification: Likely pathogenic for SUOX-related condition. Last evaluated: 2026-09-24. Review status: criteria provided, single submitter. Criteria: ACMG Guidelines, 2015. Collection method: clinical testing. Allele origin: germline.
Comment: The SUOX c.119_126del8 variant is predicted to result in a frameshift and premature protein termination (p.Arg40Profs*6). To our knowledge, this variant has not been reported in the literature. This variant is reported in 0.00088% of alleles in individuals of European (Non-Finnish) descent in gnomAD. Frameshift variants in SUOX are expected to be pathogenic. This variant is interpreted as likely pathogenic.

Labcorp Genetics (formerly Invitae), Labcorp
Classification: Pathogenic for Sulfite oxidase deficiency. Last evaluated: 2024-10-21. Review status: criteria provided, single submitter. Criteria: Invitae Variant Classification Sherloc (09022015). Collection method: clinical testing. Allele origin: germline.
Comment: This sequence change creates a premature translational stop signal (p.Arg40Profs*6) in the SUOX gene. It is expected to result in an absent or disrupted protein product. Loss-of-function variants in SUOX are known to be pathogenic (PMID: 1212661, 9600976, 15952210, 32978145). This variant is present in population databases (rs758923989, gnomAD 0.0009%). This variant has not been reported in the literature in individuals affected with SUOX-related conditions. For these reasons, this variant has been classified as Pathogenic.

Fulgent Genetics
Classification: Likely pathogenic for Sulfite oxidase deficiency. Last evaluated: 2024-03-14. Review status: criteria provided, single submitter. Criteria: ACMG Guidelines, 2015. Collection method: clinical testing. Allele origin: germline.

Literature cited by the submitters: PubMed 1212661 (cited by Labcorp Genetics (formerly Invitae), Labcorp); PubMed 9600976 (cited by Labcorp Genetics (formerly Invitae), Labcorp); PubMed 15952210 (cited by Labcorp Genetics (formerly Invitae), Labcorp); PubMed 32978145 (cited by Labcorp Genetics (formerly Invitae), Labcorp).

NM_001032386.2(SUOX):c.119_126del (p.Arg40fs)

Gene: SUOX (sulfite oxidase; plus strand). Cytogenetic location: 12q13.2.
Variant type: Microsatellite.
Coding change: c.119_126del on transcript NM_001032386.2 (MANE Select); coding-DNA positions 119 to 126, 8 bases deleted (GCCCCAGC; older notation c.119_126delGCCCCAGC).
Protein change: p.Arg40fs; shifts the reading frame from arginine 40.
Molecular consequence: frameshift variant.
Genome position (GRCh38, 1-based): chr12:56,002,611-56,002,618, GCCCCAGC deleted; deleting any 8 consecutive bases within chr12:56,002,603-56,002,618 gives the same sequence; the c. name uses the placement nearest the transcript's 3' end. VCF-style (leftmost placement, unchanged base first): chr12-56002602-AGCCCCAGC-A. GRCh37 (hg19) VCF-style: chr12-56396386-AGCCCCAGC-A.
Other names: c.119_126del8 (NM_000456.2); c.119_126del, p.Arg40fs (NM_000456.3, NM_001032387.2); short protein forms R40fs.
Identifiers: ClinVar variation 2788389 (VCV002788389.6), dbSNP rs758923989, ClinGen allele CA6620881.